The following is an entry in ClinVar:

NM_000535.7(PMS2):c.391G>T (p.Val131Phe)

Gene: PMS2 (PMS1 homolog 2, mismatch repair system component; minus strand). Cytogenetic location: 7p22.1.
Variant type: single nucleotide variant.
Coding change: c.391G>T on transcript NM_000535.7 (MANE Select); coding-DNA position 391, G replaced by T.
Protein change: p.Val131Phe; replaces valine 131 with phenylalanine.
Molecular consequence: missense variant. On other transcripts: 5 prime UTR variant (8), non-coding transcript variant (1).
Genome position (GRCh38, 1-based): chr7:6,002,599, C>A on the plus strand (G>T on the coding strand, the complement: PMS2 is on the minus strand). VCF-style: chr7-6002599-C-A. GRCh37 (hg19) VCF-style: chr7-6042230-C-A.
Other names: c.-15G>T (NM_001322003.2, NM_001322004.2, NM_001322005.2 and 3 more transcripts); c.391G>T, p.Val131Phe (NM_001322006.2, NM_001322014.2); c.73G>T, p.Val25Phe (NM_001322007.2, NM_001322008.2); c.-494G>T (NM_001322011.2, NM_001322012.2); c.82G>T, p.Val28Phe (NM_001322015.2); short protein forms V28F, V131F, V25F.
Identifiers: ClinVar variation 824381 (VCV000824381.15), dbSNP rs1583403963, ClinGen allele CA366744441.

ClinVar aggregate classification (germline): Uncertain significance. Review status: criteria provided, multiple submitters, no conflicts (2 of 4 stars). 4 submissions from 4 submitters: Uncertain significance (4). Last evaluated 2025-08-30.

Conditions:
Hereditary nonpolyposis colorectal neoplasms. Identifiers: MedGen C0009405, MeSH D003123.
Hereditary cancer-predisposing syndrome. Also called: Neoplastic Syndromes, Hereditary; Tumor predisposition; Hereditary neoplastic syndrome; Hereditary Cancer Syndrome. Identifiers: Orphanet 140162, MedGen C0027672, MeSH D009386, MONDO:0015356.

Submissions (4):

Ambry Genetics
Classification: Uncertain significance for Hereditary cancer-predisposing syndrome. Last evaluated: 2025-08-30. Review status: criteria provided, single submitter. Criteria: Ambry Variant Classification Scheme 2023. Collection method: clinical testing. Allele origin: germline.
Comment: The p.V131F variant (also known as c.391G>T), located in coding exon 5 of the PMS2 gene, results from a G to T substitution at nucleotide position 391. The valine at codon 131 is replaced by phenylalanine, an amino acid with highly similar properties. This amino acid position is not well conserved in available vertebrate species. In addition, the in silico prediction for this alteration is inconclusive. Since supporting evidence is limited at this time, the clinical significance of this alteration remains unclear.

Labcorp Genetics (formerly Invitae), Labcorp
Classification: Uncertain significance for Hereditary nonpolyposis colorectal neoplasms. Last evaluated: 2025-07-14. Review status: criteria provided, single submitter. Criteria: Invitae Variant Classification Sherloc (09022015). Collection method: clinical testing. Allele origin: germline.
Comment: This sequence change replaces valine, which is neutral and non-polar, with phenylalanine, which is neutral and non-polar, at codon 131 of the PMS2 protein (p.Val131Phe). This variant is not present in population databases (gnomAD no frequency). This variant has not been reported in the literature in individuals affected with PMS2-related conditions. ClinVar contains an entry for this variant (Variation ID: 824381). Invitae Evidence Modeling incorporating data from in vitro experimental studies (internal data) indicates that this missense variant is not expected to disrupt PMS2 function with a negative predictive value of 95%. In summary, the available evidence is currently insufficient to determine the role of this variant in disease. Therefore, it has been classified as a Variant of Uncertain Significance.

GeneDx
Classification: Uncertain significance. Last evaluated: 2022-12-13. Review status: criteria provided, single submitter. Criteria: GeneDx Variant Classification Process June 2021. Collection method: clinical testing. Allele origin: germline. Affected: yes.
Comment: Not observed at significant frequency in large population cohorts (gnomAD); In silico analysis supports that this missense variant has a deleterious effect on protein structure/function; Has not been previously published as pathogenic or benign to our knowledge; This variant is associated with the following publications: (PMID: 11574484)

Color Diagnostics, LLC DBA Color Health
Classification: Uncertain significance for Hereditary cancer-predisposing syndrome. Last evaluated: 2021-01-19. Review status: criteria provided, single submitter. Criteria: ACMG Guidelines, 2015. Collection method: clinical testing. Allele origin: germline.
Comment: This missense variant replaces valine with phenylalanine at codon 131 of the PMS2 protein. Computational prediction is inconclusive regarding the impact of this variant on protein structure and function (internally defined REVEL score threshold 0.5 < inconclusive < 0.7, PMID: 27666373). To our knowledge, functional studies have not been reported for this variant. This variant has not been reported in individuals affected with hereditary cancer in the literature. This variant has not been identified in the general population by the Genome Aggregation Database (gnomAD). The available evidence is insufficient to determine the role of this variant in disease conclusively. Therefore, this variant is classified as a Variant of Uncertain Significance.